The following is an entry in ClinVar:

NM_001128225.3(SLC39A13):c.377dup (p.Pro127fs)

Gene: SLC39A13 (solute carrier family 39 member 13; plus strand). Cytogenetic location: 11p11.2.
Variant type: Duplication.
Coding change: c.377dup on transcript NM_001128225.3 (MANE Select); coding-DNA position 377, one base duplicated (T; older notation c.377dupT).
Protein change: p.Pro127fs; shifts the reading frame from proline 127.
Molecular consequence: frameshift variant. On other transcripts: non-coding transcript variant (1).
Genome position (GRCh38, 1-based): chr11:47,412,001, T duplicated. VCF-style (leftmost placement, unchanged base first): chr11-47412000-C-CT. GRCh37 (hg19) VCF-style: chr11-47433551-C-CT.
Other names: c.377dup, p.Pro127fs (NM_001330245.2, NM_152264.5); short protein forms P127fs.
Identifiers: ClinVar variation 2111219 (VCV002111219.4), dbSNP rs2495960470, ClinGen allele CA2580084193.
Genomic context (GRCh38, chr11:47,412,000, plus strand): 5'-CTGAAGCAGCTGCTCAGCTTCGCCCTGGGGGGACTCTTGGGCAATGTGTTTCTGCATCTG[C>CT]TGCCCGAAGCCTGGGCCTACACGTGCAGCGCCAGCCCTGGTAAGTGAGGCCACACGCCAG-3'

ClinVar aggregate classification (germline): Uncertain significance (1 of 4 stars; one submission).

Conditions:
Ehlers-Danlos syndrome, spondylodysplastic type, 3. Also called: Ehlers-Danlos syndrome, spondylocheirodysplastic type. Identifiers: Orphanet 157965, MedGen C2676510, MONDO:0012873, OMIM 612350.

Submission:

Labcorp Genetics (formerly Invitae), Labcorp
Classification: Uncertain significance for Ehlers-Danlos syndrome, spondylodysplastic type, 3. Last evaluated: 2022-03-31. Review status: criteria provided, single submitter. Criteria: Invitae Variant Classification Sherloc (09022015). Collection method: clinical testing. Allele origin: germline.
Comment: In summary, the available evidence is currently insufficient to determine the role of this variant in disease. Therefore, it has been classified as a Variant of Uncertain Significance. This variant has not been reported in the literature in individuals affected with SLC39A13-related conditions. This variant is not present in population databases (gnomAD no frequency). This sequence change creates a premature translational stop signal (p.Pro127Alafs*15) in the SLC39A13 gene. It is expected to result in an absent or disrupted protein product. However, the current clinical and genetic evidence is not sufficient to establish whether loss-of-function variants in SLC39A13 cause disease.